The following is an entry in ClinVar:

ClinVar aggregate classification (germline): Uncertain significance (1 of 4 stars; one submission).

Submission:

Women's Health and Genetics/Laboratory Corporation of America, LabCorp
Classification: Uncertain significance. Last evaluated: 2024-10-31. Review status: criteria provided, single submitter. Criteria: LabCorp Variant Classification Summary - May 2015. Collection method: clinical testing. Allele origin: germline.
Comment: Variant summary: ASH1L c.5900C>A (p.Thr1967Asn) results in a non-conservative amino acid change in the encoded protein sequence. Four of five in-silico tools predict a benign effect of the variant on protein function. The variant was absent in 251212 control chromosomes. The available data on variant occurrences in the general population are insufficient to allow any conclusion about variant significance. To our knowledge, no occurrence of c.5900C>A in individuals affected with Intellectual Disability, Autosomal Dominant 52 and no experimental evidence demonstrating its impact on protein function have been reported. No submitters have cited clinical-significance assessments for this variant to ClinVar. Based on the evidence outlined above, the variant was classified as uncertain significance.

NM_018489.3(ASH1L):c.5900C>A (p.Thr1967Asn)

Gene: ASH1L (ASH1 like histone lysine methyltransferase; minus strand). Cytogenetic location: 1q22.
Variant type: single nucleotide variant.
Coding change: c.5900C>A on transcript NM_018489.3 (MANE Select); coding-DNA position 5900, C replaced by A.
Protein change: p.Thr1967Asn; replaces threonine 1967 with asparagine.
Molecular consequence: missense variant.
Genome position (GRCh38, 1-based): chr1:155,415,852, G>T on the plus strand (C>A on the coding strand, the complement: ASH1L is on the minus strand). VCF-style: chr1-155415852-G-T. GRCh37 (hg19) VCF-style: chr1-155385643-G-T.
Other names: c.5900C>A, p.Thr1967Asn (NM_001366177.2); short protein forms T1967N.
Identifiers: ClinVar variation 3385055 (VCV003385055.1).
Genomic context (GRCh38, chr1:155,415,852, plus strand): 5'-TTCTTTGGGGGACGTGGGGGCTTCTTTTCCCTTGGGATGAGAGAAAGCACAGGCTGCAAG[G>T]TACTTTCAGGTTCAGAAGGTTTAGCTGGGGTTTCAGAAGGACTGGGAATCTCAACTGGTG-3'
Protein context (NP_060959.2, residues 1957-1977): TPAKPSEPES[Thr1967Asn]LQPVLSLIPR